The following is an entry in ClinVar:

ClinVar aggregate classification (germline): Likely benign. Review status: criteria provided, multiple submitters, no conflicts (2 of 4 stars). 7 submissions from 7 submitters: Likely benign (7). Last evaluated 2024-02-04.

Conditions:
Aortic aneurysm, familial thoracic 6 (AAT6). Also called: FAMILIAL THORACIC AORTIC ANEURYSM WITH LIVEDO RETICULARIS AND IRIS FLOCCULI. Identifiers: MedGen C2673186, MONDO:0012730, OMIM 611788.
Familial thoracic aortic aneurysm and aortic dissection (TAAD). Also called: Thoracic aortic aneurysms and dissections. Identifiers: Orphanet 91387, MedGen C4707243, MONDO:0019625.

Allele frequency attached by ClinVar (database versions not stated): gnomAD exomes below 0.00001; gnomAD 0.00002; TOPMed 0.00002.
gnomAD v4.1: 6 of 1,613,884 alleles (0.00037%); highest among the groups gnomAD compares: African/African-American, 0.008%; no homozygotes.

Submissions (7):

Ambry Genetics
Classification: Likely benign for Familial thoracic aortic aneurysm and aortic dissection. Last evaluated: 2024-02-04. Review status: criteria provided, single submitter. Criteria: Ambry Variant Classification Scheme 2023. Collection method: clinical testing. Allele origin: germline.

Labcorp Genetics (formerly Invitae), Labcorp
Classification: Likely benign for Aortic aneurysm, familial thoracic 6. Last evaluated: 2023-10-15. Review status: criteria provided, single submitter. Criteria: Invitae Variant Classification Sherloc (09022015). Collection method: clinical testing. Allele origin: germline.

All of Us Research Program, National Institutes of Health
Classification: Likely benign for Familial thoracic aortic aneurysm and aortic dissection. Last evaluated: 2023-09-17. Review status: criteria provided, single submitter. Criteria: ACMG Guidelines, 2015. Collection method: clinical testing. Allele origin: germline. Inheritance: Autosomal dominant inheritance. Observed: 1 variant allele, 1 heterozygote.
Comment: This study involves interpretation of variants in research participants for the purpose of population health screening. Participant phenotype was not available at the time of variant classification. Additional details can be found in publication PMID: 35346344, PMCID: PMC8962531

Color Diagnostics, LLC DBA Color Health
Classification: Likely benign for Familial thoracic aortic aneurysm and aortic dissection. Last evaluated: 2022-04-28. Review status: criteria provided, single submitter. Criteria: ACMG Guidelines, 2015. Collection method: clinical testing. Allele origin: germline.

Blueprint Genetics
Classification: Likely benign. Last evaluated: 2020-11-06. Review status: criteria provided, single submitter. Criteria: ACMG Guidelines, 2015. Collection method: clinical testing. Allele origin: germline.

GeneDx
Classification: Likely benign. Last evaluated: 2015-12-17. Review status: criteria provided, single submitter. Criteria: GeneDx Variant Classification (06012015). Collection method: clinical testing. Allele origin: germline. Affected: yes.
Comment: This variant is considered likely benign or benign based on one or more of the following criteria: it is a conservative change, it occurs at a poorly conserved position in the protein, it is predicted to be benign by multiple in silico algorithms, and/or has population frequency not consistent with disease.

PreventionGenetics, part of Exact Sciences
Classification: Likely benign. Review status: criteria provided, single submitter. Criteria: ACMG Guidelines, 2015. Collection method: clinical testing. Allele origin: germline.

NM_001613.4(ACTA2):c.591G>A (p.Glu197=)

Gene: ACTA2 (actin alpha 2, smooth muscle; minus strand). Cytogenetic location: 10q23.31.
Variant type: single nucleotide variant.
Coding change: c.591G>A on transcript NM_001613.4 (MANE Select); coding-DNA position 591, G replaced by A.
Protein change: p.Glu197=; no amino-acid change (glutamic acid 197 retained).
Molecular consequence: synonymous variant.
Genome position (GRCh38, 1-based): chr10:88,941,254, C>T on the plus strand (G>A on the coding strand, the complement: ACTA2 is on the minus strand). VCF-style: chr10-88941254-C-T. GRCh37 (hg19) VCF-style: chr10-90701011-C-T.
Other names: c.591G>A, p.Glu197= (NM_001141945.3, NM_001320855.2, NM_001406462.1 and 3 more transcripts); c.480G>A, p.Glu160= (NM_001406466.1); c.462G>A, p.Glu154= (NM_001406467.1, NM_001406468.1, NM_001406469.1).
Identifiers: ClinVar variation 258169 (VCV000258169.13), dbSNP rs886038487, ClinGen allele CA10587098.